The following is an entry in ClinVar:

NM_006393.3(NEBL):c.2567C>T (p.Pro856Leu)

Gene: NEBL (nebulette; minus strand). Cytogenetic location: 10p12.31.
Variant type: single nucleotide variant.
Coding change: c.2567C>T on transcript NM_006393.3 (MANE Select); coding-DNA position 2567, C replaced by T.
Protein change: p.Pro856Leu; replaces proline 856 with leucine.
Molecular consequence: missense variant. On other transcripts: intron variant (8).
Genome position (GRCh38, 1-based): chr10:20,809,850, G>A on the plus strand (C>T on the coding strand, the complement: NEBL is on the minus strand). VCF-style: chr10-20809850-G-A. GRCh37 (hg19) VCF-style: chr10-21098779-G-A.
Other names: c.578C>T, p.Pro193Leu (NM_001377322.1); c.421+2919C>T (NM_001377326.1, NM_001377327.1, NM_001377328.1); c.529+2919C>T (NM_213569.2, NM_001173484.2); c.472+2919C>T (NM_001377324.1); c.463+2919C>T (NM_001377325.1); c.481+2919C>T (NM_001377323.1); short protein forms P193L, P856L.
Identifiers: ClinVar variation 3404000 (VCV003404000.1).
Genomic context (GRCh38, chr10:20,809,850, plus strand): 5'-AAAAAGTGAGTAATACCAGAGAGCATATGGAGACTTCTAGACTGAATATTGTCTTCCAGG[G>A]GATCAAGGTCGAAGATGGAGCCAGGATCTGTGCGCCAAACTTTGAGGTCTTTTGCCAAAA-3'
Protein context (NP_006384.1, residues 846-866): TDPGSIFDLD[Pro856Leu]LEDNIQSRSL

ClinVar aggregate classification (germline): Uncertain significance (1 of 4 stars; one submission).

Submission:

Ambry Genetics
Classification: Uncertain significance. Last evaluated: 2024-08-11. Review status: criteria provided, single submitter. Criteria: Ambry Variant Classification Scheme 2023. Collection method: clinical testing. Allele origin: germline.
Comment: The p.P856L variant (also known as c.2567C>T), located in coding exon 25 of the NEBL gene, results from a C to T substitution at nucleotide position 2567. The proline at codon 856 is replaced by leucine, an amino acid with similar properties. This amino acid position is conserved. In addition, the in silico prediction for this alteration is inconclusive. Based on the available evidence, the clinical significance of this variant remains unclear.